The following is an entry in ClinVar:

NM_000048.4(ASL):c.918+5G>A

Gene: ASL (argininosuccinate lyase; plus strand). Cytogenetic location: 7q11.21.
Variant type: single nucleotide variant.
Coding change: c.918+5G>A on transcript NM_000048.4 (MANE Select); 5 bases into the intron after coding-DNA position 918, G replaced by A.
Molecular consequence: intron variant.
Genome position (GRCh38, 1-based): chr7:66,089,180, G>A. VCF-style: chr7-66089180-G-A. GRCh37 (hg19) VCF-style: chr7-65554167-G-A.
Other names: c.918+5G>A (NM_001024943.2, NM_001024944.2); c.840+5G>A (NM_001024946.2).
Identifiers: ClinVar variation 554215 (VCV000554215.12), dbSNP rs781331391, ClinGen allele CA4277171.

ClinVar aggregate classification (germline): Pathogenic. Review status: criteria provided, single submitter (1 of 4 stars). 2 submissions from 2 submitters: Pathogenic (1). 1 of the submissions does not count toward it. Last evaluated 2023-08-03.

Conditions:
Argininosuccinate lyase deficiency. Also called: ARGININOSUCCINIC ACID LYASE DEFICIENCY; ASL DEFICIENCY; Argininosuccinic aciduria. Identifiers: Orphanet 23, MedGen C0268547, MONDO:0008815, OMIM 207900, HP:0025630.

Allele frequency attached by ClinVar (database versions not stated): ExAC 0.00001; gnomAD exomes 0.00001 and 0.00002.
gnomAD v4.1: 7 of 1,611,712 alleles (0.00043%); highest among the groups gnomAD compares: South Asian, 0.0044%; no homozygotes.

Submissions (2):

Labcorp Genetics (formerly Invitae), Labcorp
Classification: Pathogenic for Argininosuccinate lyase deficiency. Last evaluated: 2023-08-03. Review status: criteria provided, single submitter. Criteria: Invitae Variant Classification Sherloc (09022015). Collection method: clinical testing. Allele origin: germline.
Comment: This sequence change falls in intron 12 of the ASL gene. It does not directly change the encoded amino acid sequence of the ASL protein. It affects a nucleotide within the consensus splice site. This variant is present in population databases (rs781331391, gnomAD 0.01%). This variant has been observed in individual(s) with clinical features of argininosuccinate lyase deficiency (PMID: 24166829; Invitae). In at least one individual the data is consistent with being in trans (on the opposite chromosome) from a pathogenic variant. ClinVar contains an entry for this variant (Variation ID: 554215). Variants that disrupt the consensus splice site are a relatively common cause of aberrant splicing (PMID: 17576681, 9536098). Algorithms developed to predict the effect of sequence changes on RNA splicing suggest that this variant may disrupt the consensus splice site. For these reasons, this variant has been classified as Pathogenic.

Counsyl
Classification: Uncertain significance for Argininosuccinate lyase deficiency. Last evaluated: 2017-09-29. Review status: no assertion criteria provided. Collection method: clinical testing. Allele origin: unknown. Not counted in ClinVar's aggregate classification.

Literature cited by the submitters: PubMed 24166829 (cited by Labcorp Genetics (formerly Invitae), Labcorp and Counsyl); PubMed 17576681 (cited by Labcorp Genetics (formerly Invitae), Labcorp); PubMed 9536098 (cited by Labcorp Genetics (formerly Invitae), Labcorp); PubMed 28251416 (cited by Counsyl).